The following is an entry in ClinVar:

NM_000433.4(NCF2):c.1336G>T (p.Asp446Tyr)

Gene: NCF2 (neutrophil cytosolic factor 2; minus strand). Cytogenetic location: 1q25.3.
Variant type: single nucleotide variant.
Coding change: c.1336G>T on transcript NM_000433.4 (MANE Select); coding-DNA position 1336, G replaced by T.
Protein change: p.Asp446Tyr; replaces aspartic acid 446 with tyrosine.
Molecular consequence: missense variant.
Genome position (GRCh38, 1-based): chr1:183,560,228, C>A on the plus strand (G>T on the coding strand, the complement: NCF2 is on the minus strand). VCF-style: chr1-183560228-C-A. GRCh37 (hg19) VCF-style: chr1-183529363-C-A.
Other names: c.1336G>T, p.Asp446Tyr (NM_001127651.3); c.1093G>T, p.Asp365Tyr (NM_001190789.2); c.1201G>T, p.Asp401Tyr (NM_001190794.2); short protein forms D446Y, D401Y, D365Y.
Identifiers: ClinVar variation 294077 (VCV000294077.9), dbSNP rs886045653, ClinGen allele CA10609009.

ClinVar aggregate classification (germline): Uncertain significance. Review status: criteria provided, multiple submitters, no conflicts (2 of 4 stars). 3 submissions from 3 submitters: Uncertain significance (3). Last evaluated 2025-08-30.

Conditions:
Inborn genetic diseases. Identifiers: MedGen C0950123, MeSH D030342.
Granulomatous disease, chronic, autosomal recessive, cytochrome b-positive, type 2. Also called: CGD, AUTOSOMAL RECESSIVE CYTOCHROME b-POSITIVE, TYPE II; GRANULOMATOUS DISEASE, CHRONIC, DUE TO NCF2 DEFICIENCY; GRANULOMATOUS DISEASE, CHRONIC, AUTOSOMAL RECESSIVE, 2; Chronic granulomatous disease due to deficiency of NCF-2; Chronic Granulomatous Disease, Autosomal Recessive, Cytochrome b-Positive, Type II. Identifiers: Orphanet 379, MedGen C1856245, MONDO:0009310, OMIM 233710.

Allele frequency attached by ClinVar (database versions not stated): gnomAD exomes below 0.00001; gnomAD 0.00001; TOPMed 0.00001.
gnomAD v4.1: 4 of 1,614,082 alleles (0.00025%); highest among the groups gnomAD compares: Admixed American, 0.0033%; no homozygotes.

Submissions (3):

Ambry Genetics
Classification: Uncertain significance for Inborn genetic diseases. Last evaluated: 2025-08-30. Review status: criteria provided, single submitter. Criteria: Ambry Variant Classification Scheme 2023. Collection method: clinical testing. Allele origin: germline.

Labcorp Genetics (formerly Invitae), Labcorp
Classification: Uncertain significance for Granulomatous disease, chronic, autosomal recessive, cytochrome b-positive, type 2. Last evaluated: 2024-03-04. Review status: criteria provided, single submitter. Criteria: Invitae Variant Classification Sherloc (09022015). Collection method: clinical testing. Allele origin: germline.
Comment: This sequence change replaces aspartic acid, which is acidic and polar, with tyrosine, which is neutral and polar, at codon 446 of the NCF2 protein (p.Asp446Tyr). This variant is not present in population databases (gnomAD no frequency). This variant has not been reported in the literature in individuals affected with NCF2-related conditions. ClinVar contains an entry for this variant (Variation ID: 294077). An algorithm developed to predict the effect of missense changes on protein structure and function (PolyPhen-2) suggests that this variant is likely to be tolerated. In summary, the available evidence is currently insufficient to determine the role of this variant in disease. Therefore, it has been classified as a Variant of Uncertain Significance.

Illumina Laboratory Services, Illumina
Classification: Uncertain significance for Granulomatous disease, chronic, autosomal recessive, cytochrome b-positive, type 2. Last evaluated: 2018-01-13. Review status: criteria provided, single submitter. Criteria: ICSL Variant Classification Criteria 13 December 2019. Collection method: clinical testing. Allele origin: germline.